The following is an entry in ClinVar:

NM_001367624.2(ZNF469):c.7935G>A (p.Glu2645=)

Gene: ZNF469 (zinc finger protein 469; plus strand). Cytogenetic location: 16q24.2.
Variant type: single nucleotide variant.
Coding change: c.7935G>A on transcript NM_001367624.2 (MANE Select); coding-DNA position 7935, G replaced by A.
Protein change: p.Glu2645=; no amino-acid change (glutamic acid 2645 retained).
Molecular consequence: synonymous variant.
Genome position (GRCh38, 1-based): chr16:88,435,405, G>A. VCF-style: chr16-88435405-G-A. GRCh37 (hg19) VCF-style: chr16-88501813-G-A.
Other names: NM_001127464.1:c.7851G>A.
Identifiers: ClinVar variation 506471 (VCV000506471.37), dbSNP rs189596398, ClinGen allele CA8225293.

ClinVar aggregate classification (germline): Benign/Likely benign. Review status: criteria provided, multiple submitters, no conflicts (2 of 4 stars). 7 submissions from 7 submitters: Benign (2); Likely benign (5). Last evaluated 2026-09-01.

Conditions:
Cardiovascular phenotype. Identifiers: MedGen CN230736.
Brittle cornea syndrome 1 (BCS1). Also called: CORNEAL FRAGILITY, KERATOGLOBUS, BLUE SCLERAE, JOINT HYPEREXTENSIBILITY; EDS6B; FRAGILITAS OCULI WITH JOINT HYPEREXTENSIBILITY; Corneal fragility keratoglobus, blue sclerae AND joint hypermobility; DYSGENESIS MESODERMALIS CORNEAE ET SCLERAE. Identifiers: Orphanet 90354, MedGen C0268344, MONDO:0024543, OMIM 229200.

Allele frequency attached by ClinVar (database versions not stated): ExAC 0.00116; 1000 Genomes Project 0.00220; 1000 Genomes Project 30x 0.00250; gnomAD 0.00267 and 0.00279; TOPMed 0.00332; gnomAD exomes 0.00029 and 0.00066.
gnomAD v4.1: 837 of 1,550,368 alleles (0.054%); highest among the groups gnomAD compares: African/African-American, 1%; 3 homozygotes.

Submissions (7):

CeGaT Center for Human Genetics Tuebingen
Classification: Likely benign. Last evaluated: 2026-09-01. Review status: criteria provided, single submitter. Criteria: CeGaT Center For Human Genetics Tuebingen Variant Classification Criteria Version 2. Collection method: clinical testing. Allele origin: germline. Affected: yes. Observed: 2 variant alleles.
Comment: ZNF469: BP4, BP7, BS1

Labcorp Genetics (formerly Invitae), Labcorp
Classification: Benign. Last evaluated: 2026-01-31. Review status: criteria provided, single submitter. Criteria: Invitae Variant Classification Sherloc (09022015). Collection method: clinical testing. Allele origin: germline.

Women's Health and Genetics/Laboratory Corporation of America, LabCorp
Classification: Likely benign. Last evaluated: 2025-11-25. Review status: criteria provided, single submitter. Criteria: LabCorp Variant Classification Summary - May 2015. Collection method: clinical testing. Allele origin: germline.

Blueprint Genetics
Classification: Likely benign. Last evaluated: 2024-03-09. Review status: criteria provided, single submitter. Criteria: ACMG Guidelines, 2015. Collection method: clinical testing. Allele origin: germline.

Genome-Nilou Lab
Classification: Benign for Brittle cornea syndrome 1. Last evaluated: 2021-12-05. Review status: criteria provided, single submitter. Criteria: ACMG Guidelines, 2015. Collection method: clinical testing. Allele origin: germline. Affected: no.

GeneDx
Classification: Likely benign. Last evaluated: 2021-02-19. Review status: criteria provided, single submitter. Criteria: GeneDx Variant Classification Process June 2021. Collection method: clinical testing. Allele origin: germline. Affected: yes.

Ambry Genetics
Classification: Likely benign for Cardiovascular phenotype. Last evaluated: 2019-12-03. Review status: criteria provided, single submitter. Criteria: Ambry Variant Classification Scheme 2023. Collection method: clinical testing. Allele origin: germline.